The following is an entry in ClinVar:

NM_170754.4(TNS2):c.1967C>T (p.Pro656Leu)

Gene: TNS2 (tensin 2; plus strand). Cytogenetic location: 12q13.13.
Variant type: single nucleotide variant.
Coding change: c.1967C>T on transcript NM_170754.4 (MANE Select); coding-DNA position 1967, C replaced by T.
Protein change: p.Pro656Leu; replaces proline 656 with leucine.
Molecular consequence: missense variant.
Genome position (GRCh38, 1-based): chr12:53,059,608, C>T. VCF-style: chr12-53059608-C-T. GRCh37 (hg19) VCF-style: chr12-53453392-C-T.
Other names: c.1967C>T, p.Pro656Leu (NM_001416202.1); c.1925C>T, p.Pro642Leu (NM_001416203.1); c.1994C>T, p.Pro665Leu (NM_001416204.1); c.1898C>T, p.Pro633Leu (NM_015319.3); c.1595C>T, p.Pro532Leu (NM_198316.2); short protein forms P656L, P532L, P666L, P633L, P642L, P665L.
Identifiers: ClinVar variation 2009418 (VCV002009418.5), dbSNP rs1397163971, ClinGen allele CA385011380.

ClinVar aggregate classification (germline): Uncertain significance. Review status: criteria provided, multiple submitters, no conflicts (2 of 4 stars). 2 submissions from 2 submitters: Uncertain significance (2). Last evaluated 2025-06-03.

Allele frequency attached by ClinVar (database versions not stated): gnomAD exomes below 0.00001.
gnomAD v4.1: 1 of 1,612,284 alleles (0.000062%); highest among the groups gnomAD compares: African/African-American, 0.0013%; no homozygotes.

Submissions (2):

Ambry Genetics
Classification: Uncertain significance. Last evaluated: 2025-06-03. Review status: criteria provided, single submitter. Criteria: Ambry Variant Classification Scheme 2023. Collection method: clinical testing. Allele origin: germline.

Labcorp Genetics (formerly Invitae), Labcorp
Classification: Uncertain significance. Last evaluated: 2022-06-22. Review status: criteria provided, single submitter. Criteria: Invitae Variant Classification Sherloc (09022015). Collection method: clinical testing. Allele origin: germline.
Comment: This sequence change replaces proline, which is neutral and non-polar, with leucine, which is neutral and non-polar, at codon 666 of the TNS2 protein (p.Pro666Leu). In summary, the available evidence is currently insufficient to determine the role of this variant in disease. Therefore, it has been classified as a Variant of Uncertain Significance. Algorithms developed to predict the effect of missense changes on protein structure and function (SIFT, PolyPhen-2, Align-GVGD) all suggest that this variant is likely to be tolerated. This variant has not been reported in the literature in individuals affected with TNS2-related conditions. This variant is not present in population databases (gnomAD no frequency).